The following is an entry in ClinVar:

NM_001395413.1(POR):c.311G>A (p.Arg104His)

Gene: POR (cytochrome p450 oxidoreductase; plus strand). Cytogenetic location: 7q11.23.
Variant type: single nucleotide variant.
Coding change: c.311G>A on transcript NM_001395413.1 (MANE Select); coding-DNA position 311, G replaced by A.
Protein change: p.Arg104His; replaces arginine 104 with histidine.
Molecular consequence: missense variant.
Genome position (GRCh38, 1-based): chr7:75,979,533, G>A. VCF-style: chr7-75979533-G-A. GRCh37 (hg19) VCF-style: chr7-75608851-G-A.
Other names: c.311G>A, p.Arg104His (NM_001367562.3, NM_001382657.2, NM_001382658.3 and 2 more transcripts); c.365G>A, p.Arg122His (NM_001382655.3); short protein forms R104H, R122H.
Identifiers: ClinVar variation 910356 (VCV000910356.7), dbSNP rs782776557, ClinGen allele CA4303584.

ClinVar aggregate classification (germline): Uncertain significance. Review status: criteria provided, multiple submitters, no conflicts (2 of 4 stars). 3 submissions from 3 submitters: Uncertain significance (3). Last evaluated 2022-03-08.

Conditions:
Congenital adrenal hyperplasia due to cytochrome P450 oxidoreductase deficiency. Also called: DISORDERED STEROIDOGENESIS DUE TO POR DEFICIENCY. Identifiers: Orphanet 95699, MedGen C1860042, MONDO:0013310, OMIM 613571.
Antley-Bixler syndrome without genital anomalies or disordered steroidogenesis (ABS2). Also called: MULTISYNOSTOTIC OSTEODYSGENESIS WITH LONG BONE FRACTURES; Trapezoidocephaly synostosis syndrome; Osteodysgenesis, multisynostotic with fractures; Antley-Bixler Syndrome, Autosomal Dominant. Identifiers: Orphanet 596008, Orphanet 83, MedGen C2936791, MONDO:0020667, OMIM 207410.
Antley-Bixler syndrome with genital anomalies and disordered steroidogenesis (ABS1). Also called: POR Deficiency. Identifiers: Orphanet 63269, MedGen C3150099, MONDO:0008726, OMIM 201750.

Allele frequency attached by ClinVar (database versions not stated): gnomAD exomes 0.00002 and 0.00004; TOPMed 0.00002; ExAC 0.00004.
gnomAD v4.1: 24 of 1,613,642 alleles (0.0015%); highest among the groups gnomAD compares: Admixed American, 0.012%; no homozygotes.

Submissions (3):

Fulgent Genetics
Classification: Uncertain significance for Antley-Bixler syndrome with genital anomalies and disordered steroidogenesis; Antley-Bixler syndrome without genital anomalies or disordered steroidogenesis; Congenital adrenal hyperplasia due to cytochrome P450 oxidoreductase deficiency. Last evaluated: 2022-03-08. Review status: criteria provided, single submitter. Criteria: ACMG Guidelines, 2015. Collection method: clinical testing. Allele origin: unknown.

Labcorp Genetics (formerly Invitae), Labcorp
Classification: Uncertain significance for Congenital adrenal hyperplasia due to cytochrome P450 oxidoreductase deficiency. Last evaluated: 2022-01-23. Review status: criteria provided, single submitter. Criteria: Invitae Variant Classification Sherloc (09022015). Collection method: clinical testing. Allele origin: germline.
Comment: This sequence change replaces arginine, which is basic and polar, with histidine, which is basic and polar, at codon 107 of the POR protein (p.Arg107His). This variant is present in population databases (rs782776557, gnomAD 0.01%). This variant has not been reported in the literature in individuals affected with POR-related conditions. ClinVar contains an entry for this variant (Variation ID: 910356). Algorithms developed to predict the effect of missense changes on protein structure and function (SIFT, PolyPhen-2, Align-GVGD) all suggest that this variant is likely to be disruptive. In summary, the available evidence is currently insufficient to determine the role of this variant in disease. Therefore, it has been classified as a Variant of Uncertain Significance.

Illumina Laboratory Services, Illumina
Classification: Uncertain significance for Congenital adrenal hyperplasia due to cytochrome P450 oxidoreductase deficiency. Last evaluated: 2017-04-27. Review status: criteria provided, single submitter. Criteria: ICSL Variant Classification Criteria 13 December 2019. Collection method: clinical testing. Allele origin: germline.